The following is an entry in ClinVar:

ClinVar aggregate classification (germline): Conflicting classifications of pathogenicity. Review status: criteria provided, conflicting classifications (1 of 4 stars). 2 submissions from 2 submitters: Uncertain significance (1); Likely benign (1). Last evaluated 2023-11-01.

Allele frequency attached by ClinVar (database versions not stated): 1000 Genomes Project 30x 0.00031; ESP Exome Variant Server 0.00039; 1000 Genomes Project 0.00040; gnomAD 0.00056; TOPMed 0.00056; ExAC 0.00079; gnomAD exomes 0.00094.
gnomAD v4.1: 1,447 of 1,612,830 alleles (0.09%); highest among the groups gnomAD compares: Non-Finnish European, 0.11%; 3 homozygotes.

Submissions (2):

CeGaT Center for Human Genetics Tuebingen
Classification: Likely benign. Last evaluated: 2023-11-01. Review status: criteria provided, single submitter. Criteria: CeGaT Center For Human Genetics Tuebingen Variant Classification Criteria Version 2. Collection method: clinical testing. Allele origin: germline. Affected: yes. Observed: 1 variant allele.
Comment: NFRKB: BP4

Ambry Genetics
Classification: Uncertain significance. Last evaluated: 2021-08-02. Review status: criteria provided, single submitter. Criteria: Ambry Variant Classification Scheme 2023. Collection method: clinical testing. Allele origin: germline.

NM_001143835.2(NFRKB):c.2588C>T (p.Thr863Met)

Gene: NFRKB (nuclear factor related to kappaB binding protein; minus strand). Cytogenetic location: 11q24.3.
Variant type: single nucleotide variant.
Coding change: c.2588C>T on transcript NM_001143835.2 (MANE Select); coding-DNA position 2588, C replaced by T.
Protein change: p.Thr863Met; replaces threonine 863 with methionine.
Molecular consequence: missense variant.
Genome position (GRCh38, 1-based): chr11:129,873,059, G>A on the plus strand (C>T on the coding strand, the complement: NFRKB is on the minus strand). VCF-style: chr11-129873059-G-A. GRCh37 (hg19) VCF-style: chr11-129742954-G-A.
Other names: c.2663C>T, p.Thr888Met (NM_006165.4); short protein forms T888M, T863M.
Identifiers: ClinVar variation 2319499 (VCV002319499.25), dbSNP rs137981370, ClinGen allele CA6360489.
Genomic context (GRCh38, chr11:129,873,059, plus strand): 5'-GGGAGACTTGTCACCGTGAGCCCTGTCTGCCCGGGTCCAGGCCGCTGCACAGTGGCTGCC[G>A]TAGTCTGCGCTTTGACGGGCACAGTGGCCATTACTGTCTAGTTGAGGGCATGAGGCCAAG-3'
Protein context (NP_001137307.1, residues 853-873): MATVPVKAQT[Thr863Met]AATVQRPGPG